The following is an entry in ClinVar:

NM_001374736.1(DST):c.3914del (p.Leu1305fs)

Gene: DST (dystonin; minus strand). Cytogenetic location: 6p12.1.
Variant type: Deletion.
Coding change: c.3914del on transcript NM_001374736.1 (MANE Select); coding-DNA position 3914, one base deleted (T; older notation c.3914delT).
Protein change: p.Leu1305fs; shifts the reading frame from leucine 1305.
Molecular consequence: frameshift variant.
Genome position (GRCh38, 1-based): chr6:56,631,932, A deleted on the plus strand (T on the coding strand, the reverse complement: DST is on the minus strand). VCF-style (leftmost placement, unchanged base first): chr6-56631931-CA-C. GRCh37 (hg19) VCF-style: chr6-56496729-CA-C.
Other names: c.3815del, p.Leu1272fs (NM_001144769.5); c.3401del, p.Leu1134fs (NM_001144770.2); c.3914del, p.Leu1305fs (NM_001374722.1); c.3281del, p.Leu1094fs (NM_001374729.1, NM_001374730.1, NM_001386100.1 and 1 more transcripts); c.3941del, p.Leu1314fs (NM_001374734.1); c.2303del, p.Leu768fs (NM_001723.7, NM_015548.5); short protein forms L1134fs, L1305fs, L768fs, L1272fs, L1094fs, L1314fs.
Identifiers: ClinVar variation 836793 (VCV000836793.8), dbSNP rs2098784614, ClinGen allele CA916082846.
Genomic context (GRCh38, chr6:56,631,931, plus strand): 5'-TATAGCTCTCACCTCCTGTTCTGTGATTCTGAACACACTTTCATGCAAATCATCTCTTTC[CA>C]GGGGAGTTCGAATCTGTCTAATCAGCCGATCTTCACAGTTCTCTAACCGAAGTCTAATGT-3'

ClinVar aggregate classification (germline): Pathogenic (1 of 4 stars; one submission).

Conditions:
Hereditary sensory and autonomic neuropathy type 6. Also called: Neuropathy, hereditary sensory and autonomic, type VI; HSAN VI. Identifiers: Orphanet 314381, MedGen C3539003, MONDO:0013839, OMIM 614653.
Epidermolysis bullosa simplex 3, localized or generalized intermediate, with BP230 deficiency (EBS3). Also called: Epidermolysis bullosa simplex, autosomal recessive 2; Epidermolysis bullosa simplex due to BP230 deficiency. Identifiers: Orphanet 412181, MedGen C3809470, MONDO:0014180, OMIM 615425.

Submission:

Labcorp Genetics (formerly Invitae), Labcorp
Classification: Pathogenic for Epidermolysis bullosa simplex 3, localized or generalized intermediate, with BP230 deficiency; Hereditary sensory and autonomic neuropathy type 6. Last evaluated: 2024-05-07. Review status: criteria provided, single submitter. Criteria: Invitae Variant Classification Sherloc (09022015). Collection method: clinical testing. Allele origin: germline.
Comment: This sequence change creates a premature translational stop signal (p.Leu768Argfs*19) in the DST gene. It is expected to result in an absent or disrupted protein product. Loss-of-function variants in DST are known to be pathogenic (PMID: 22522446, 25059916, 30371979). This variant is not present in population databases (gnomAD no frequency). This variant has not been reported in the literature in individuals affected with DST-related conditions. ClinVar contains an entry for this variant (Variation ID: 836793). For these reasons, this variant has been classified as Pathogenic.

Literature cited by the submitters: PubMed 22522446; PubMed 25059916; PubMed 30371979.